The following is an entry in ClinVar:

NM_015158.5(KANK1):c.1561C>A (p.Gln521Lys)

Gene: KANK1 (KN motif and ankyrin repeat domains 1; plus strand). Cytogenetic location: 9p24.3.
Variant type: single nucleotide variant.
Coding change: c.1561C>A on transcript NM_015158.5 (MANE Select); coding-DNA position 1561, C replaced by A.
Protein change: p.Gln521Lys; replaces glutamine 521 with lysine.
Molecular consequence: missense variant. On other transcripts: non-coding transcript variant (1).
Genome position (GRCh38, 1-based): chr9:712,327, C>A. VCF-style: chr9-712327-C-A. GRCh37 (hg19) VCF-style: chr9-712327-C-A.
Other names: c.1561C>A, p.Gln521Lys (NM_001256876.3, NM_001256877.3, NM_001354331.2 and 2 more transcripts); c.1087C>A, p.Gln363Lys (NM_001354333.2, NM_001354335.2, NM_001354336.2 and 9 more transcripts); short protein forms Q363K, Q521K.
Identifiers: ClinVar variation 3031399 (VCV003031399.2), dbSNP rs2539734630, ClinGen allele CA372748481.

ClinVar aggregate classification (germline): Uncertain significance (0 of 4 stars; one submission).

Conditions:
KANK1-related disorder. Also called: KANK1-related condition.

gnomAD v4.1: 1 of 1,614,210 alleles (0.000062%); highest among the groups gnomAD compares: Non-Finnish European, 0.000085%; no homozygotes.

Submission:

PreventionGenetics, part of Exact Sciences
Classification: Uncertain significance for KANK1-related condition. Last evaluated: 2024-02-28. Review status: no assertion criteria provided. Collection method: clinical testing. Allele origin: germline.
Comment: The KANK1 c.1561C>A variant is predicted to result in the amino acid substitution p.Gln521Lys. To our knowledge, this variant has not been reported in the literature or in a large population database, indicating this variant is rare. At this time, the clinical significance of this variant is uncertain due to the absence of conclusive functional and genetic evidence.